The following is an entry in ClinVar:

ClinVar aggregate classification (germline): Likely pathogenic (1 of 4 stars; one submission).

Conditions:
Intellectual developmental disorder 62. Also called: INTELLECTUAL DEVELOPMENTAL DISORDER, AUTOSOMAL DOMINANT 62; MENTAL RETARDATION, AUTOSOMAL DOMINANT 62. Identifiers: MedGen C5394083, MONDO:0032919, OMIM 618793.

Submission:

MVZ Medizinische Genetik Mainz
Classification: Likely pathogenic for Intellectual developmental disorder 62. Last evaluated: 2025-04-09. Review status: criteria provided, single submitter. Criteria: UK Practice Guidelines For Variant Classification V4 01 2020. Collection method: clinical testing. Allele origin: germline. Inheritance: Autosomal dominant inheritance. Affected: yes. Observed: 1 variant allele.
Comment: ACMG Criteria: PVS1,PM2_SUP

NM_001321075.3(DLG4):c.1467del (p.Ser490fs)

Gene: DLG4 (discs large MAGUK scaffold protein 4; minus strand). Cytogenetic location: 17p13.1.
Variant type: Deletion.
Coding change: c.1467del on transcript NM_001321075.3 (MANE Select); coding-DNA position 1467, one base deleted (C; older notation c.1467delC).
Protein change: p.Ser490fs; shifts the reading frame from serine 490.
Molecular consequence: frameshift variant. On other transcripts: non-coding transcript variant (1).
Genome position (GRCh38, 1-based): chr17:7,194,330, G deleted on the plus strand (C on the coding strand, the reverse complement: DLG4 is on the minus strand); the first of 4 consecutive G bases (chr17:7,194,330-7,194,333); deleting any one gives the same sequence. VCF-style (leftmost placement, unchanged base first): chr17-7194329-TG-T. GRCh37 (hg19) VCF-style: chr17-7097648-TG-T.
Other names: c.1458del, p.Ser487fs (NM_001128827.4); c.1587del, p.Ser530fs (NM_001321074.1); c.1287del, p.Ser430fs (NM_001321076.3, NM_001321077.3); c.1596del, p.Ser533fs (NM_001365.5); c.1386del, p.Ser463fs (NM_001369566.3); short protein forms S430fs, S463fs, S487fs, S490fs, S530fs, S533fs.
Identifiers: ClinVar variation 3894554 (VCV003894554.1).
Genomic context (GRCh38, chr17:7,194,329, plus strand): 5'-GGGAACTTCAGTGCCTGTGGCAGGAAGGCTACAGAGCCCAGGAGCCTCACCGCCGTTTGC[TG>T]GGGATGAACCCAATGTCGTCGGTCTCACTGTCAGAGTGGACCCGCCGTGCCTGCCACCAC-3'